The following is an entry in ClinVar:

NM_001367823.1(ARHGEF18):c.3480G>A (p.Glu1160=)

Gene: ARHGEF18 (Rho/Rac guanine nucleotide exchange factor 18; plus strand). Cytogenetic location: 19p13.2.
Variant type: single nucleotide variant.
Coding change: c.3480G>A on transcript NM_001367823.1 (MANE Select); coding-DNA position 3480, G replaced by A.
Protein change: p.Glu1160=; no amino-acid change (glutamic acid 1160 retained).
Molecular consequence: synonymous variant.
Genome position (GRCh38, 1-based): chr19:7,467,684, G>A. VCF-style: chr19-7467684-G-A. GRCh37 (hg19) VCF-style: chr19-7532570-G-A.
Other names: c.2754G>A, p.Glu918= (NM_001130955.2); c.2442G>A, p.Glu814= (NM_001367824.1, NM_015318.4).
Identifiers: ClinVar variation 1513172 (VCV001513172.6), dbSNP rs1190628749, ClinGen allele CA505401180.

ClinVar aggregate classification (germline): Uncertain significance. Review status: criteria provided, multiple submitters, no conflicts (2 of 4 stars). 2 submissions from 2 submitters: Uncertain significance (2). Last evaluated 2024-10-10.

Allele frequency attached by ClinVar (database versions not stated): gnomAD 0.00001; gnomAD exomes 0.00001.
gnomAD v4.1: 5 of 1,495,432 alleles (0.00033%); highest among the groups gnomAD compares: Admixed American, 0.0092%; no homozygotes.

Submissions (2):

Blueprint Genetics
Classification: Uncertain significance. Last evaluated: 2024-10-10. Review status: criteria provided, single submitter. Criteria: ACMG Guidelines, 2015. Collection method: clinical testing. Allele origin: germline.

Labcorp Genetics (formerly Invitae), Labcorp
Classification: Uncertain significance. Last evaluated: 2022-07-07. Review status: criteria provided, single submitter. Criteria: Invitae Variant Classification Sherloc (09022015). Collection method: clinical testing. Allele origin: germline.
Comment: In summary, the available evidence is currently insufficient to determine the role of this variant in disease. Therefore, it has been classified as a Variant of Uncertain Significance. This sequence change affects codon 972 of the ARHGEF18 mRNA. It is a 'silent' change, meaning that it does not change the encoded amino acid sequence of the ARHGEF18 protein. This variant also falls at the last nucleotide of exon 16, which is part of the consensus splice site for this exon. The frequency data for this variant in the population databases is considered unreliable, as metrics indicate poor data quality at this position in the gnomAD database. This variant has not been reported in the literature in individuals affected with ARHGEF18-related conditions. ClinVar contains an entry for this variant (Variation ID: 1513172). Variants that disrupt the consensus splice site are a relatively common cause of aberrant splicing (PMID: 17576681, 9536098). Algorithms developed to predict the effect of sequence changes on RNA splicing suggest that this variant may create or strengthen a splice site.

Literature cited by the submitters: PubMed 17576681 (cited by Labcorp Genetics (formerly Invitae), Labcorp); PubMed 9536098 (cited by Labcorp Genetics (formerly Invitae), Labcorp).